The following is an entry in ClinVar:

ClinVar aggregate classification (germline): Uncertain significance (0 of 4 stars; one submission).

Conditions:
SHANK2-related disorder.

gnomAD v4.1: 36 of 718,612 alleles (0.005%); highest among the groups gnomAD compares: Middle Eastern, 0.023%; no homozygotes.

Submission:

PreventionGenetics, part of Exact Sciences
Classification: Uncertain significance for SHANK2-related condition. Last evaluated: 2024-02-09. Review status: no assertion criteria provided. Collection method: clinical testing. Allele origin: germline.
Comment: The SHANK2 c.1784G>A variant is predicted to result in the amino acid substitution p.Arg595His. To our knowledge, this variant has not been reported in the literature. This variant is reported in 0.0092% of alleles in individuals of European (Non-Finnish) descent in gnomAD. At this time, the clinical significance of this variant is uncertain due to the absence of conclusive functional and genetic evidence.

NM_012309.5(SHANK2):c.1784G>A (p.Arg595His)

Gene: SHANK2 (SH3 and multiple ankyrin repeat domains 2; minus strand). Cytogenetic location: 11q13.4.
Variant type: single nucleotide variant.
Coding change: c.1784G>A on transcript NM_012309.5 (MANE Select); coding-DNA position 1784, G replaced by A.
Protein change: p.Arg595His; replaces arginine 595 with histidine.
Molecular consequence: missense variant.
Genome position (GRCh38, 1-based): chr11:70,698,757, C>T on the plus strand (G>A on the coding strand, the complement: SHANK2 is on the minus strand). VCF-style: chr11-70698757-C-T. GRCh37 (hg19) VCF-style: chr11-70544862-C-T.
Other names: c.647G>A, p.Arg216His (NM_001379226.1); short protein forms R216H, R595H.
Identifiers: ClinVar variation 3357200 (VCV003357200.1).